The following is an entry in ClinVar:

ClinVar aggregate classification (germline): Uncertain significance. Review status: criteria provided, multiple submitters, no conflicts (2 of 4 stars). 2 submissions from 2 submitters: Uncertain significance (2). Last evaluated 2025-10-01.

Conditions:
Nemaline myopathy 2 (NEM2). Also called: Nemaline myopathy 2, autosomal recessive. Identifiers: MedGen C1850569, MONDO:0009725, OMIM 256030.
Inborn genetic diseases. Identifiers: MedGen C0950123, MeSH D030342.

Allele frequency attached by ClinVar (database versions not stated): TOPMed 0.00003; ExAC 0.00001.
gnomAD v4.1: 14 of 1,613,448 alleles (0.00087%); highest among the groups gnomAD compares: South Asian, 0.0033%; no homozygotes.

Submissions (2):

Ambry Genetics
Classification: Uncertain significance for Inborn genetic diseases. Last evaluated: 2025-10-01. Review status: criteria provided, single submitter. Criteria: Ambry Variant Classification Scheme 2023. Collection method: clinical testing. Allele origin: germline.

Labcorp Genetics (formerly Invitae), Labcorp
Classification: Uncertain significance for Nemaline myopathy 2. Last evaluated: 2022-11-03. Review status: criteria provided, single submitter. Criteria: Invitae Variant Classification Sherloc (09022015). Collection method: clinical testing. Allele origin: germline.
Comment: This sequence change replaces aspartic acid, which is acidic and polar, with asparagine, which is neutral and polar, at codon 594 of the NEB protein (p.Asp594Asn). This variant is present in population databases (rs768295694, gnomAD 0.003%). This variant has not been reported in the literature in individuals affected with NEB-related conditions. Algorithms developed to predict the effect of missense changes on protein structure and function are either unavailable or do not agree on the potential impact of this missense change (SIFT: "Deleterious"; PolyPhen-2: "Not Available"; Align-GVGD: "Class C0"). In summary, the available evidence is currently insufficient to determine the role of this variant in disease. Therefore, it has been classified as a Variant of Uncertain Significance.

NM_001164508.2(NEB):c.1780G>A (p.Asp594Asn)

Gene: NEB (nebulin; minus strand). Cytogenetic location: 2q23.3.
Variant type: single nucleotide variant.
Coding change: c.1780G>A on transcript NM_001164508.2 (MANE Select); coding-DNA position 1780, G replaced by A.
Protein change: p.Asp594Asn; replaces aspartic acid 594 with asparagine.
Molecular consequence: missense variant.
Genome position (GRCh38, 1-based): chr2:151,694,524, C>T on the plus strand (G>A on the coding strand, the complement: NEB is on the minus strand). VCF-style: chr2-151694524-C-T. GRCh37 (hg19) VCF-style: chr2-152551038-C-T.
Other names: c.1780G>A (NM_004543.4); c.1780G>A, p.Asp594Asn (NM_001164507.2, NM_001271208.2, NM_004543.5); short protein forms D594N.
Identifiers: ClinVar variation 1939295 (VCV001939295.3), dbSNP rs768295694, ClinGen allele CA1911456.